The following is an entry in ClinVar:

NM_000079.4(CHRNA1):c.745A>C (p.Thr249Pro)

Gene: CHRNA1 (cholinergic receptor nicotinic alpha 1 subunit; minus strand). Cytogenetic location: 2q31.1.
Variant type: single nucleotide variant.
Coding change: c.745A>C on transcript NM_000079.4 (MANE Select); coding-DNA position 745, A replaced by C.
Protein change: p.Thr249Pro; replaces threonine 249 with proline.
Molecular consequence: missense variant.
Genome position (GRCh38, 1-based): chr2:174,753,536, T>G on the plus strand (A>C on the coding strand, the complement: CHRNA1 is on the minus strand). VCF-style: chr2-174753536-T-G. GRCh37 (hg19) VCF-style: chr2-175618264-T-G.
Other names: c.820A>C, p.Thr274Pro (NM_001039523.3); short protein forms T249P, T274P.
Identifiers: ClinVar variation 1349531 (VCV001349531.8), dbSNP rs1683900619, ClinGen allele CA349338818.

ClinVar aggregate classification (germline): Uncertain significance (1 of 4 stars; one submission).

Conditions:
Lethal multiple pterygium syndrome (LMPS). Identifiers: Orphanet 33108, MedGen C1854678, MONDO:0009668, OMIM 253290.

Allele frequency attached by ClinVar (database versions not stated): gnomAD exomes below 0.00001; TOPMed below 0.00001.
gnomAD v4.1: 2 of 1,614,034 alleles (0.00012%); highest among the groups gnomAD compares: South Asian, 0.0011%; no homozygotes.

Submission:

Labcorp Genetics (formerly Invitae), Labcorp
Classification: Uncertain significance for Lethal multiple pterygium syndrome. Last evaluated: 2023-01-17. Review status: criteria provided, single submitter. Criteria: Invitae Variant Classification Sherloc (09022015). Collection method: clinical testing. Allele origin: germline.
Comment: In summary, the available evidence is currently insufficient to determine the role of this variant in disease. Therefore, it has been classified as a Variant of Uncertain Significance. Advanced modeling of protein sequence and biophysical properties (such as structural, functional, and spatial information, amino acid conservation, physicochemical variation, residue mobility, and thermodynamic stability) performed at Invitae indicates that this missense variant is expected to disrupt CHRNA1 protein function. ClinVar contains an entry for this variant (Variation ID: 1349531). This variant has not been reported in the literature in individuals affected with CHRNA1-related conditions. This variant is not present in population databases (gnomAD no frequency). This sequence change replaces threonine, which is neutral and polar, with proline, which is neutral and non-polar, at codon 249 of the CHRNA1 protein (p.Thr249Pro).